The following is an entry in ClinVar:

NM_016358.3(IRX4):c.479G>A (p.Trp160Ter)

Gene: IRX4 (iroquois homeobox 4; minus strand). Cytogenetic location: 5p15.33.
Variant type: single nucleotide variant.
Coding change: c.479G>A on transcript NM_016358.3 (MANE Select); coding-DNA position 479, G replaced by A.
Protein change: p.Trp160Ter; replaces tryptophan 160 with a stop codon.
Molecular consequence: nonsense.
Genome position (GRCh38, 1-based): chr5:1,879,761, C>T on the plus strand (G>A on the coding strand, the complement: IRX4 is on the minus strand). VCF-style: chr5-1879761-C-T. GRCh37 (hg19) VCF-style: chr5-1879875-C-T.
Other names: c.479G>A, p.Trp160Ter (NM_001278632.1, NM_001278634.2); c.557G>A, p.Trp186Ter (NM_001278633.1, NM_001278635.2); short protein forms W160*, W186*.
Identifiers: ClinVar variation 5020662 (VCV005020662.1).

ClinVar aggregate classification (germline): Uncertain significance (1 of 4 stars; one submission).

Submission:

Dasa
Classification: Uncertain significance. Last evaluated: 2026-04-29. Review status: criteria provided, single submitter. Criteria: DASA Assertion Criteria. Collection method: clinical testing. Allele origin: germline.
Comment: NM_016358.3(IRX4):c.479G>A (p.Trp160*) is a nonsense variant in IRX4 predicted to introduce a premature termination codon. This variant is rare in population databases. The currently available literature and clinical evidence are not sufficient to establish a definitive association between this variant and the reported condition. Therefore, this variant is classified as a variant of uncertain significance.